The following is an entry in ClinVar:

ClinVar aggregate classification (germline): Pathogenic (1 of 4 stars; one submission).

gnomAD v4.1: 2 of 1,614,032 alleles (0.00012%); highest among the groups gnomAD compares: Non-Finnish European, 0.000085%; no homozygotes.

Submission:

Labcorp Genetics (formerly Invitae), Labcorp
Classification: Pathogenic. Last evaluated: 2023-02-28. Review status: criteria provided, single submitter. Criteria: Invitae Variant Classification Sherloc (09022015). Collection method: clinical testing. Allele origin: germline.
Comment: This variant has not been reported in the literature in individuals affected with UBR1-related conditions. This variant is present in population databases (no rsID available, gnomAD 0.0009%). This sequence change creates a premature translational stop signal (p.Arg1674*) in the UBR1 gene. It is expected to result in an absent or disrupted protein product. Loss-of-function variants in UBR1 are known to be pathogenic (PMID: 24599544). For these reasons, this variant has been classified as Pathogenic.

Literature cited by the submitters: PubMed 24599544.

NM_174916.3(UBR1):c.5020C>T (p.Arg1674Ter)

Gene: UBR1 (ubiquitin protein ligase E3 component n-recognin 1; minus strand). Cytogenetic location: 15q15.2.
Variant type: single nucleotide variant.
Coding change: c.5020C>T on transcript NM_174916.3 (MANE Select); coding-DNA position 5020, C replaced by T.
Protein change: p.Arg1674Ter; replaces arginine 1674 with a stop codon.
Molecular consequence: nonsense.
Genome position (GRCh38, 1-based): chr15:42,950,350, G>A on the plus strand (C>T on the coding strand, the complement: UBR1 is on the minus strand). VCF-style: chr15-42950350-G-A. GRCh37 (hg19) VCF-style: chr15-43242548-G-A.
Other names: short protein forms R1674*.
Identifiers: ClinVar variation 2983873 (VCV002983873.3), dbSNP rs1206778631, ClinGen allele CA392052689.